The following is an entry in ClinVar:

ClinVar aggregate classification (germline): Uncertain significance. Review status: criteria provided, multiple submitters, no conflicts (2 of 4 stars). 5 submissions from 5 submitters: Uncertain significance (5). Last evaluated 2024-10-28.

Conditions:
Inborn genetic diseases. Identifiers: MedGen C0950123, MeSH D030342.
Cortical dysplasia-focal epilepsy syndrome (PTHSL1). Also called: Pitt-Hopkins-like syndrome 1. Identifiers: Orphanet 163681, Orphanet 221150, MedGen C2750246, MONDO:0012400, OMIM 610042.

Allele frequency attached by ClinVar (database versions not stated): gnomAD exomes 0.00002 and 0.00003; gnomAD 0.00003; ExAC 0.00004; TOPMed 0.00006; ESP Exome Variant Server 0.00031.
gnomAD v4.1: 48 of 1,614,120 alleles (0.003%); highest among the groups gnomAD compares: Middle Eastern, 0.016%; no homozygotes.

Submissions (5):

Blueprint Genetics
Classification: Uncertain significance. Last evaluated: 2024-10-28. Review status: criteria provided, single submitter. Criteria: ACMG Guidelines, 2015. Collection method: clinical testing. Allele origin: germline.

Labcorp Genetics (formerly Invitae), Labcorp
Classification: Uncertain significance for Cortical dysplasia-focal epilepsy syndrome. Last evaluated: 2024-10-24. Review status: criteria provided, single submitter. Criteria: Invitae Variant Classification Sherloc (09022015). Collection method: clinical testing. Allele origin: germline.
Comment: This sequence change replaces asparagine, which is neutral and polar, with serine, which is neutral and polar, at codon 1317 of the CNTNAP2 protein (p.Asn1317Ser). This variant is present in population databases (rs148611916, gnomAD 0.005%). This missense change has been observed in individual(s) with persistent developmental stuttering (PMID: 24807205). ClinVar contains an entry for this variant (Variation ID: 1042282). An algorithm developed to predict the effect of missense changes on protein structure and function (PolyPhen-2) suggests that this variant¬†is likely to be tolerated. In summary, the available evidence is currently insufficient to determine the role of this variant in disease. Therefore, it has been classified as a Variant of Uncertain Significance.

Ambry Genetics
Classification: Uncertain significance for Inborn genetic diseases. Last evaluated: 2023-12-21. Review status: criteria provided, single submitter. Criteria: Ambry Variant Classification Scheme 2023. Collection method: clinical testing. Allele origin: germline.

Women's Health and Genetics/Laboratory Corporation of America, LabCorp
Classification: Uncertain significance. Last evaluated: 2023-08-10. Review status: criteria provided, single submitter. Criteria: LabCorp Variant Classification Summary - May 2015. Collection method: clinical testing. Allele origin: germline.
Comment: Variant summary: CNTNAP2 c.3950A>G (p.Asn1317Ser) results in a conservative amino acid change in the encoded protein sequence. Four of five in-silico tools predict a benign effect of the variant on protein function. The variant allele was found at a frequency of 2e-05 in 251460 control chromosomes (gnomAD). The available data on variant occurrences in the general population are insufficient to allow any conclusion about variant significance. c.3950A>G has been reported in the literature in one individual affected with persistent stuttering (Han_2014). However, the authors concluded that CNTNAP2 is not associated with stuttering. This report does not unequivocal conclusions about association of the variant with Autism Susceptibility. To our knowledge, no experimental evidence demonstrating an impact on protein function has been reported. The following publication has been ascertained in the context of this evaluation (PMID: 24807205). Two ClinVar submitters have assessed the variant since 2014, and both classified the variant as uncertain significance. Based on the evidence outlined above, the variant was classified as uncertain significance.

GeneDx
Classification: Uncertain significance. Last evaluated: 2020-06-24. Review status: criteria provided, single submitter. Criteria: GeneDx Variant Classification Process June 2021. Collection method: clinical testing. Allele origin: germline. Affected: yes.
Comment: In silico analysis supports that this missense variant does not alter protein structure/function; Reported previously in an individual with persistent developmental stuttering; however, additional information regarding the phenotype of the individual and information about parental testing were not provided and the authors concluded that CNTNAP2 variants were not associated with stuttering (Han et al., 2014).; This variant is associated with the following publications: (PMID: 24807205)

Literature cited by the submitters: PubMed 24807205 (cited by Labcorp Genetics (formerly Invitae), Labcorp and Women's Health and Genetics/Laboratory Corporation of America, LabCorp).

NM_014141.6(CNTNAP2):c.3950A>G (p.Asn1317Ser)

Gene: CNTNAP2 (contactin associated protein 2; plus strand). Cytogenetic location: 7q36.1.
Variant type: single nucleotide variant.
Coding change: c.3950A>G on transcript NM_014141.6 (MANE Select); coding-DNA position 3950, A replaced by G.
Protein change: p.Asn1317Ser; replaces asparagine 1317 with serine.
Molecular consequence: missense variant.
Genome position (GRCh38, 1-based): chr7:148,415,570, A>G. VCF-style: chr7-148415570-A-G. GRCh37 (hg19) VCF-style: chr7-148112662-A-G.
Other names: short protein forms N1317S.
Identifiers: ClinVar variation 1042282 (VCV001042282.13), dbSNP rs148611916, ClinGen allele CA4546852.